The following is an entry in ClinVar:

ClinVar aggregate classification (germline): Uncertain significance. Review status: criteria provided, multiple submitters, no conflicts (2 of 4 stars). 2 submissions from 2 submitters: Uncertain significance (2). Last evaluated 2025-09-04.

Conditions:
PTPRQ-related disorder. Also called: PTPRQ-related condition.

gnomAD v4.1: 15 of 1,550,236 alleles (0.00097%); highest among the groups gnomAD compares: East Asian, 0.0049%; no homozygotes.

Submissions (2):

PreventionGenetics, part of Exact Sciences
Classification: Uncertain significance for PTPRQ-related condition. Last evaluated: 2025-09-04. Review status: criteria provided, single submitter. Criteria: ACMG Guidelines, 2015. Collection method: clinical testing. Allele origin: germline.
Comment: The PTPRQ c.329A>G variant is predicted to result in the amino acid substitution p.Lys110Arg. To our knowledge, this variant has not been reported in the literature. This variant is reported in 0.0092% of alleles in individuals of East Asian descent in gnomAD. At this time, the clinical significance of this variant is uncertain due to the absence of conclusive functional and genetic evidence.

Blueprint Genetics
Classification: Uncertain significance. Last evaluated: 2024-10-23. Review status: criteria provided, single submitter. Criteria: ACMG Guidelines, 2015. Collection method: clinical testing. Allele origin: germline.

NM_001145026.2(PTPRQ):c.329A>G (p.Lys110Arg)

Gene: PTPRQ (protein tyrosine phosphatase receptor type Q; plus strand). Cytogenetic location: 12q21.31.
Variant type: single nucleotide variant.
Coding change: c.329A>G on transcript NM_001145026.2 (MANE Select); coding-DNA position 329, A replaced by G.
Protein change: p.Lys110Arg; replaces lysine 110 with arginine.
Molecular consequence: missense variant.
Genome position (GRCh38, 1-based): chr12:80,445,656, A>G. VCF-style: chr12-80445656-A-G. GRCh37 (hg19) VCF-style: chr12-80839436-A-G.
Other names: c.329A>G (NM_001145026.1); short protein forms K110R.
Identifiers: ClinVar variation 4917743 (VCV004917743.2).
Genomic context (GRCh38, chr12:80,445,656, plus strand): 5'-TTGTCAAATATAAGGAAGTTTGTCCGTGGATGCAAACAGTATATACACAAGTCAGATCAA[A>G]GCCAGACAGTCTGGAAGTTCTTCTTACTAATCTTAATCCTGGAACAACATATGAAATTAA-3'
Protein context (NP_001138498.1, residues 100-120): MQTVYTQVRS[Lys110Arg]PDSLEVLLTN